The following is an entry in ClinVar:

ClinVar aggregate classification (germline): Conflicting classifications of pathogenicity. Review status: criteria provided, conflicting classifications (1 of 4 stars). 6 submissions from 6 submitters: Uncertain significance (1); Benign (3); Likely benign (1). 1 of the submissions does not count toward it. Last evaluated 2026-01-09.

Conditions:
PNKP-related disorder. Also called: PNKP-related disorders; PNKP-related condition.
Inborn genetic diseases. Identifiers: MedGen C0950123, MeSH D030342.
Developmental and epileptic encephalopathy, 12 (DEE12). Identifiers: MedGen C3150988, MONDO:0013389, OMIM 613722.

Allele frequency attached by ClinVar (database versions not stated): gnomAD exomes 0.00007 and 0.00025; ExAC 0.00026; ESP Exome Variant Server 0.00054; gnomAD 0.00069 and 0.00071; TOPMed 0.00103; 1000 Genomes Project 30x 0.00125; 1000 Genomes Project 0.00160.
gnomAD v4.1: 230 of 1,612,414 alleles (0.014%); highest among the groups gnomAD compares: African/African-American, 0.21%; no homozygotes.

Submissions (6):

Labcorp Genetics (formerly Invitae), Labcorp
Classification: Benign for Developmental and epileptic encephalopathy, 12. Last evaluated: 2026-01-09. Review status: criteria provided, single submitter. Criteria: Invitae Variant Classification Sherloc (09022015). Collection method: clinical testing. Allele origin: germline.

Women's Health and Genetics/Laboratory Corporation of America, LabCorp
Classification: Benign. Last evaluated: 2025-11-06. Review status: criteria provided, single submitter. Criteria: LabCorp Variant Classification Summary - May 2015. Collection method: clinical testing. Allele origin: germline.
Comment: Variant summary: PNKP c.501G>A (p.Val167Val) alters a non-conserved nucleotide located close to a canonical splice site and therefore could affect mRNA splicing, leading to a significantly altered protein sequence. Consensus agreement among computation tools predict no significant impact on normal splicing. However, these predictions have yet to be confirmed by functional studies. The variant allele was found at a frequency of 0.00025 in 251162 control chromosomes, predominantly at a frequency of 0.0024 within the African or African-American subpopulation in the gnomAD database. The observed variant frequency within African or African-American control individuals in the gnomAD database exceeds the estimated maximal expected allele frequency for disease-causing variants in PNKP. To our knowledge, no occurrence of c.501G>A in individuals affected with PNKP-related conditions and no experimental evidence demonstrating its impact on protein function have been reported. ClinVar contains an entry for this variant (Variation ID: 197792). Based on the evidence outlined above, the variant was classified as benign.

Ambry Genetics
Classification: Likely benign for Inborn genetic diseases. Last evaluated: 2016-10-19. Review status: criteria provided, single submitter. Criteria: Ambry Variant Classification Scheme 2023. Collection method: clinical testing. Allele origin: germline.

Eurofins Ntd Llc (ga)
Classification: Uncertain significance. Last evaluated: 2016-08-12. Review status: criteria provided, single submitter. Criteria: EGL Classification Definitions 2015. Collection method: clinical testing. Allele origin: germline. Observed: 2 variant alleles, 2 heterozygotes.

GeneDx
Classification: Benign. Last evaluated: 2014-12-22. Review status: criteria provided, single submitter. Criteria: GeneDx Variant Classification (06012015). Collection method: clinical testing. Allele origin: germline. Affected: yes.
Comment: This variant is considered likely benign or benign based on one or more of the following criteria: it is a conservative change, it occurs at a poorly conserved position in the protein, it is predicted to be benign by multiple in silico algorithms, and/or has population frequency not consistent with disease.

PreventionGenetics, part of Exact Sciences
Classification: Likely benign for PNKP-related condition. Last evaluated: 2024-07-11. Review status: no assertion criteria provided. Collection method: clinical testing. Allele origin: germline. Not counted in ClinVar's aggregate classification.
Comment: This variant is classified as likely benign based on ACMG/AMP sequence variant interpretation guidelines (Richards et al. 2015 PMID: 25741868, with internal and published modifications).

NM_007254.4(PNKP):c.501G>A (p.Val167=)

Gene: PNKP (polynucleotide kinase 3'-phosphatase; minus strand). Cytogenetic location: 19q13.33.
Variant type: single nucleotide variant.
Coding change: c.501G>A on transcript NM_007254.4 (MANE Select); coding-DNA position 501, G replaced by A.
Protein change: p.Val167=; no amino-acid change (valine 167 retained).
Molecular consequence: synonymous variant.
Genome position (GRCh38, 1-based): chr19:49,864,401, C>T on the plus strand (G>A on the coding strand, the complement: PNKP is on the minus strand). VCF-style: chr19-49864401-C-T. GRCh37 (hg19) VCF-style: chr19-50367658-C-T.
Other names: p.V167V:GTG>GTA.
Identifiers: ClinVar variation 197792 (VCV000197792.23), dbSNP rs142143566, ClinGen allele CA246120.